The following is an entry in ClinVar:

ClinVar aggregate classification (germline): Pathogenic (1 of 4 stars; one submission).

Conditions:
Joubert syndrome 3 (JBTS3). Also called: AHI1-related Ciliopathy. Identifiers: Orphanet 220493, MedGen C1837713, MONDO:0012078, OMIM 608629.

Submission:

Myriad Genetics, Inc.
Classification: Pathogenic for Joubert syndrome 3. Last evaluated: 2025-06-15. Review status: criteria provided, single submitter. Criteria: Myriad Autosomal Dominant, Autosomal Recessive and X-Linked Classification Criteria (2023). Collection method: clinical testing. Allele origin: unknown.
Comment: NM_001134831.1(AHI1):c.107_108delAAinsC(K36Tfs*21) is expected to be pathogenic in the context of Joubert syndrome, AHI1-related. This variant is predicted to lead to an abnormal or absent protein product due to the creation of a premature termination codon in AHI1, a gene where loss-of-function variants are known to be pathogenic. Please note: this variant was assessed in the context of healthy population screening.

NM_001134831.2(AHI1):c.107_108delinsC (p.Lys36fs)

Gene: AHI1 (Abelson helper integration site 1; minus strand). Cytogenetic location: 6q23.3.
Variant type: Indel.
Coding change: c.107_108delinsC on transcript NM_001134831.2 (MANE Select); coding-DNA positions 107 to 108, AA replaced by C.
Protein change: p.Lys36fs; shifts the reading frame from lysine 36.
Molecular consequence: frameshift variant.
Genome position (GRCh38, 1-based): chr6:135,490,650-135,490,651, TT replaced by G on the plus strand (AA replaced by C on the coding strand, the reverse complement: AHI1 is on the minus strand). VCF-style: chr6-135490650-TT-G. GRCh37 (hg19) VCF-style: chr6-135811788-TT-G.
Other names: c.107_108delinsC, p.Lys36fs (NM_001134830.2, NM_001134832.2, NM_001350503.2 and 2 more transcripts); short protein forms K36fs.
Identifiers: ClinVar variation 5014599 (VCV005014599.1).